The following is an entry in ClinVar:

NM_033004.4(NLRP1):c.1615A>G (p.Lys539Glu)

Gene: NLRP1 (NLR family pyrin domain containing 1; minus strand). Cytogenetic location: 17p13.2.
Variant type: single nucleotide variant.
Coding change: c.1615A>G on transcript NM_033004.4 (MANE Select); coding-DNA position 1615, A replaced by G.
Protein change: p.Lys539Glu; replaces lysine 539 with glutamic acid.
Molecular consequence: missense variant.
Genome position (GRCh38, 1-based): chr17:5,559,081, T>C on the plus strand (A>G on the coding strand, the complement: NLRP1 is on the minus strand). VCF-style: chr17-5559081-T-C. GRCh37 (hg19) VCF-style: chr17-5462401-T-C.
Other names: c.1615A>G, p.Lys539Glu (NM_001033053.3, NM_014922.5, NM_033006.4 and 1 more transcripts); short protein forms K539E.
Identifiers: ClinVar variation 2620161 (VCV002620161.5), dbSNP rs761656607, ClinGen allele CA8327350.

ClinVar aggregate classification (germline): Conflicting classifications of pathogenicity. Review status: criteria provided, conflicting classifications (1 of 4 stars). 3 submissions from 3 submitters: Uncertain significance (1); Likely benign (2). Last evaluated 2025-01-23.

Conditions:
Inborn genetic diseases. Identifiers: MedGen C0950123, MeSH D030342.

Allele frequency attached by ClinVar (database versions not stated): TOPMed below 0.00001; gnomAD 0.00001; gnomAD exomes 0.00001; ExAC 0.00006.
gnomAD v4.1: 6 of 1,613,986 alleles (0.00037%); highest among the groups gnomAD compares: East Asian, 0.013%; no homozygotes.

Submissions (3):

Labcorp Genetics (formerly Invitae), Labcorp
Classification: Uncertain significance. Last evaluated: 2025-01-23. Review status: criteria provided, single submitter. Criteria: Invitae Variant Classification Sherloc (09022015). Collection method: clinical testing. Allele origin: germline.
Comment: This sequence change replaces lysine, which is basic and polar, with glutamic acid, which is acidic and polar, at codon 539 of the NLRP1 protein (p.Lys539Glu). This variant is present in population databases (rs761656607, gnomAD 0.04%). This variant has not been reported in the literature in individuals affected with NLRP1-related conditions. ClinVar contains an entry for this variant (Variation ID: 2620161). An algorithm developed to predict the effect of missense changes on protein structure and function outputs the following: PolyPhen-2: "Benign". The glutamic acid amino acid residue is found in multiple mammalian species, which suggests that this missense change does not adversely affect protein function. In summary, the available evidence is currently insufficient to determine the role of this variant in disease. Therefore, it has been classified as a Variant of Uncertain Significance.

Blueprint Genetics
Classification: Likely benign. Last evaluated: 2024-09-09. Review status: criteria provided, single submitter. Criteria: ACMG Guidelines, 2015. Collection method: clinical testing. Allele origin: germline.

Ambry Genetics
Classification: Likely benign for Inborn genetic diseases. Last evaluated: 2023-08-21. Review status: criteria provided, single submitter. Criteria: Ambry Variant Classification Scheme 2023. Collection method: clinical testing. Allele origin: germline.